The following is an entry in ClinVar:

ClinVar aggregate classification (germline): Likely pathogenic (1 of 4 stars; one submission).

Conditions:
Cystinuria (CSNU). Also called: CYSTINURIA, TYPE I; CYSTINURIA, TYPE II; CYSTINURIA, TYPE III; Cystinuria, non-type I. Identifiers: Orphanet 214, MedGen C0010691, MONDO:0009067, OMIM 220100, HP:0003131.

Submission:

Victorian Clinical Genetics Services, Murdoch Childrens Research Institute
Classification: Likely pathogenic for Cystinuria. Last evaluated: 2024-10-10. Review status: criteria provided, single submitter. Criteria: ACMG Guidelines, 2015. Collection method: clinical testing. Allele origin: germline. Affected: yes.
Comment: Based on the classification scheme VCGS_Germline_v1.3.4, this variant is classified as Likely pathogenic. Following criteria are met: 0102 - Loss of function is a known mechanism of disease in this gene and is associated with cystinuria (MIM#220100). (I) 0108 - This gene is associated with both recessive and dominant disease. Although predominantly associated with recessive disease, there are reports of affected carriers (PMID: 15635077, 25964309). (I) 0112 - The dominant condition associated with this gene has incomplete penetrance (PMID: 22480232). (I) 0205 - Variant is predicted to result in a truncated protein (premature termination codon is NOT located at least 54 nucleotides upstream of the final exon-exon junction) with less than 1/3 of the protein sequence affected. (SP) 0251 - This variant is heterozygous. (I) 0301 - Variant is absent from gnomAD (both v2 and v3). (SP) 0601 - Variant is located in the well-established functional cysteine residues forming disulfide bridges (DECIPHER). Multiple missense variants affecting these residues have been reported in individuals with cystinuria (PMID: 11260385, PMID: 21255007, PMID: 10620184, PMID: 28049243). Additional functional studies however showed no impact on arginine transport and NEM targeting (PMID: 11042122). (SP) 0704 - Another protein truncating variant comparable to the one identified in this case has limited previous evidence for pathogenicity. This variant (p.(Cys673*)) has been reported as homozygous in an individual with cystinuria (PMID: 33349102). (SP) 0807 - This variant has no previous evidence of pathogenicity. (I) 0905 - No published segregation evidence has been identified for this variant. (I) 1007 - No published functional evidence has been identified for this variant. (I) 1101 - Very strong and specific phenotype match for this individual. (SP) 1201 - Heterozygous variant detected in trans with a second pathogenic heterozygous variant (NM_000341.3(SLC3A1):c.808C>T; p.(Arg270*)) in a recessive disease. (I) Legend: (SP) - Supporting pathogenic, (I) - Information, (SB) - Supporting benign

Literature cited by the submitters: PubMed 10620184; PubMed 11042122; PubMed 11260385; PubMed 15635077; PubMed 21255007; PubMed 22480232; PubMed 25964309; PubMed 28049243; PubMed 33349102.

NM_000341.4(SLC3A1):c.2014_2015delinsTA (p.Ala672Ter)

Genes: PREPL (prolyl endopeptidase like; minus strand), SLC3A1 (solute carrier family 3 member 1; plus strand). Cytogenetic location: 2p21.
Variant type: Indel.
Coding change: c.2014_2015delinsTA on transcript NM_000341.4 (MANE Select); coding-DNA positions 2014 to 2015, GC replaced by TA.
Protein change: p.Ala672Ter; replaces alanine 672 with a stop codon.
Molecular consequence: nonsense. On other transcripts: 3 prime UTR variant (10).
Genome position (GRCh38, 1-based): chr2:44,320,595-44,320,596, GC replaced by TA. VCF-style: chr2-44320595-GC-TA. GRCh37 (hg19) VCF-style: chr2-44547734-GC-TA.
Other names: c.*760_*761delinsTA (NM_001042385.2, NM_001042386.2, NM_001171603.1 and 7 more transcripts); short protein forms A672*.
Identifiers: ClinVar variation 3376872 (VCV003376872.1).